The following is an entry in ClinVar:

ClinVar aggregate classification (germline): Uncertain significance. Review status: criteria provided, multiple submitters, no conflicts (2 of 4 stars). 3 submissions from 3 submitters: Uncertain significance (3). Last evaluated 2025-03-26.

Conditions:
Myofibrillar myopathy 5. Also called: FILAMINOPATHY, AUTOSOMAL DOMINANT; Filaminopathy (type). Identifiers: Orphanet 171445, MedGen C1836050, MONDO:0012289, OMIM 609524.
Distal myopathy with posterior leg and anterior hand involvement. Also called: WILLIAMS DISTAL MYOPATHY. Identifiers: Orphanet 63273, MedGen C3279722, MONDO:0013550, OMIM 614065.
Hypertrophic cardiomyopathy 26. Also called: Cardiomyopathy, familial hypertrophic, 26. Identifiers: Orphanet 75249, MedGen C4310749, MONDO:0014883, OMIM 617047.
Cardiovascular phenotype. Identifiers: MedGen CN230736.

Allele frequency attached by ClinVar (database versions not stated): TOPMed below 0.00001; ExAC 0.00001; gnomAD 0.00001.
gnomAD v4.1: 4 of 1,613,992 alleles (0.00025%); highest among the groups gnomAD compares: Non-Finnish European, 0.00034%; no homozygotes.

Submissions (3):

Labcorp Genetics (formerly Invitae), Labcorp
Classification: Uncertain significance for Distal myopathy with posterior leg and anterior hand involvement; Myofibrillar myopathy 5; Hypertrophic cardiomyopathy 26. Last evaluated: 2025-03-26. Review status: criteria provided, single submitter. Criteria: Invitae Variant Classification Sherloc (09022015). Collection method: clinical testing. Allele origin: germline.
Comment: This sequence change replaces arginine, which is basic and polar, with glutamine, which is neutral and polar, at codon 991 of the FLNC protein (p.Arg991Gln). This variant is not present in population databases (gnomAD no frequency). This variant has not been reported in the literature in individuals affected with FLNC-related conditions. ClinVar contains an entry for this variant (Variation ID: 2143560). Invitae Evidence Modeling of protein sequence and biophysical properties (such as structural, functional, and spatial information, amino acid conservation, physicochemical variation, residue mobility, and thermodynamic stability) has been performed for this missense variant. However, the output from this modeling did not meet the statistical confidence thresholds required to predict the impact of this variant on FLNC protein function. In summary, the available evidence is currently insufficient to determine the role of this variant in disease. Therefore, it has been classified as a Variant of Uncertain Significance.

Ambry Genetics
Classification: Uncertain significance for Cardiovascular phenotype. Last evaluated: 2025-01-28. Review status: criteria provided, single submitter. Criteria: Ambry Variant Classification Scheme 2023. Collection method: clinical testing. Allele origin: germline.

Clinical Genetics Laboratory, Skane University Hospital Lund
Classification: Uncertain significance. Last evaluated: 2023-12-19. Review status: criteria provided, single submitter. Criteria: ACMG Guidelines, 2015. Collection method: clinical testing. Allele origin: germline. Affected: yes.

NM_001458.5(FLNC):c.2972G>A (p.Arg991Gln)

Gene: FLNC (filamin C; plus strand). Cytogenetic location: 7q32.1.
Variant type: single nucleotide variant.
Coding change: c.2972G>A on transcript NM_001458.5 (MANE Select); coding-DNA position 2972, G replaced by A.
Protein change: p.Arg991Gln; replaces arginine 991 with glutamine.
Molecular consequence: missense variant.
Genome position (GRCh38, 1-based): chr7:128,844,046, G>A. VCF-style: chr7-128844046-G-A. GRCh37 (hg19) VCF-style: chr7-128484100-G-A.
Other names: c.2972G>A, p.Arg991Gln (NM_001127487.2); short protein forms R991Q.
Identifiers: ClinVar variation 2143560 (VCV002143560.8), dbSNP rs762995952, ClinGen allele CA4474927.